The following is an entry in ClinVar:

ClinVar aggregate classification (germline): Uncertain significance. Review status: criteria provided, multiple submitters, no conflicts (2 of 4 stars). 2 submissions from 2 submitters: Uncertain significance (2). Last evaluated 2026-09-01.

Conditions:
GNAS-related disorder. Identifiers: MedGen CN380105.

Submissions (2):

PreventionGenetics, part of Exact Sciences
Classification: Uncertain significance for GNAS-related condition. Last evaluated: 2026-09-01. Review status: criteria provided, single submitter. Criteria: ACMG Guidelines, 2015. Collection method: clinical testing. Allele origin: germline.
Comment: The GNAS c.377A>G variant is predicted to result in the amino acid substitution p.Glu126Gly. In the more commonly reported transcript (NM_000516.5), this variant is pre-coding (c.-51244A>G). To our knowledge, this variant has not been reported in the literature or in a large population database (gnomAD), indicating this variant is rare. At this time, the clinical significance of this variant is uncertain due to the absence of conclusive functional and genetic evidence.

GeneDx
Classification: Uncertain significance. Last evaluated: 2026-02-13. Review status: criteria provided, single submitter. Criteria: GeneDx Variant Classification Process June 2021. Collection method: clinical testing. Allele origin: germline.
Comment: Not observed at significant frequency in large population cohorts (gnomAD); In silico analysis supports that this missense variant has a deleterious effect on protein structure/function; Has not been previously published as pathogenic or benign to our knowledge; Reported using an alternate transcript of the gene

NM_016592.5(GNAS):c.377A>G (p.Glu126Gly)

Genes: GNAS (GNAS complex locus; plus strand), GNAS-AS1 (GNAS antisense RNA 1; minus strand). Cytogenetic location: 20q13.32.
Variant type: single nucleotide variant.
Coding change: c.377A>G on transcript NM_016592.5 (MANE Plus Clinical); coding-DNA position 377, A replaced by G.
Protein change: p.Glu126Gly; replaces glutamic acid 126 with glycine.
Molecular consequence: missense variant. On other transcripts: 5 prime UTR variant (1).
Genome position (GRCh38, 1-based): chr20:58,840,483, A>G. VCF-style: chr20-58840483-A-G. GRCh37 (hg19) VCF-style: chr20-57415538-A-G.
Other names: c.-361A>G (NM_001410912.1); short protein forms E126G.
Identifiers: ClinVar variation 3349359 (VCV003349359.4).
Genomic context (GRCh38, chr20:58,840,483, plus strand): 5'-AGTTCGACTACGAGACCGAGAGCGAGACCGAGTCCGAAATCGAGTCCGAGACCGACTTCG[A>G]GACCGAGCCTGAGACCGCCCCCACCACTGAGCCCGAGACCGAGCCTGAAGACGATCGCGG-3'
Protein context (NP_057676.1, residues 116-136): ESEIESETDF[Glu126Gly]TEPETAPTTE